The following is an entry in ClinVar:

NM_001040108.2(MLH3):c.774A>G (p.Leu258=)

Gene: MLH3 (mutL homolog 3; minus strand). Cytogenetic location: 14q24.3.
Variant type: single nucleotide variant.
Coding change: c.774A>G on transcript NM_001040108.2 (MANE Select); coding-DNA position 774, A replaced by G.
Protein change: p.Leu258=; no amino-acid change (leucine 258 retained).
Molecular consequence: synonymous variant.
Genome position (GRCh38, 1-based): chr14:75,048,882, T>C on the plus strand (A>G on the coding strand, the complement: MLH3 is on the minus strand). VCF-style: chr14-75048882-T-C. GRCh37 (hg19) VCF-style: chr14-75515585-T-C.
Other names: c.774A>G, p.Leu258= (NM_014381.3).
Identifiers: ClinVar variation 1591945 (VCV001591945.13), dbSNP rs2139599520, ClinGen allele CA487274153.

ClinVar aggregate classification (germline): Benign/Likely benign. Review status: criteria provided, multiple submitters, no conflicts (2 of 4 stars). 4 submissions from 4 submitters: Benign (1); Likely benign (2). 1 of the submissions does not count toward it. Last evaluated 2026-04-29.

Conditions:
MLH3-related disorder. Also called: MLH3-related condition.
Colorectal cancer, hereditary nonpolyposis, type 7. Identifiers: Orphanet 144, MedGen C1858380, MONDO:0013725, OMIM 614385.

Submissions (4):

Myriad Genetics, Inc.
Classification: Benign for Colorectal cancer, hereditary nonpolyposis, type 7. Last evaluated: 2026-04-29. Review status: criteria provided, single submitter. Criteria: Myriad Autosomal Dominant, Autosomal Recessive and X-Linked Classification Criteria (2023). Collection method: clinical testing. Allele origin: unknown.
Comment: This variant is considered benign. This variant is a silent/synonymous amino acid change and it is not expected to impact splicing.

Labcorp Genetics (formerly Invitae), Labcorp
Classification: Likely benign for Colorectal cancer, hereditary nonpolyposis, type 7. Last evaluated: 2021-06-06. Review status: criteria provided, single submitter. Criteria: Invitae Variant Classification Sherloc (09022015). Collection method: clinical testing. Allele origin: germline.

Ambry Genetics
Classification: Likely benign. Last evaluated: 2019-10-21. Review status: criteria provided, single submitter. Criteria: Ambry Variant Classification Scheme 2023. Collection method: clinical testing. Allele origin: germline.

PreventionGenetics, part of Exact Sciences
Classification: Likely benign for MLH3-related condition. Last evaluated: 2023-03-21. Review status: no assertion criteria provided. Collection method: clinical testing. Allele origin: germline. Not counted in ClinVar's aggregate classification.
Comment: This variant is classified as likely benign based on ACMG/AMP sequence variant interpretation guidelines (Richards et al. 2015 PMID: 25741868, with internal and published modifications).